The following is an entry in ClinVar:

ClinVar aggregate classification (germline): Likely benign. Review status: criteria provided, multiple submitters, no conflicts (2 of 4 stars). 2 submissions from 2 submitters: Likely benign (2). Last evaluated 2024-06-09.

Conditions:
Multiple endocrine neoplasia, type 2 (MEN2). Identifiers: Orphanet 653, MedGen C4048306, MONDO:0019003. Disease mechanism: gain of function.

Submissions (2):

All of Us Research Program, National Institutes of Health
Classification: Likely benign for Multiple endocrine neoplasia, type 2. Last evaluated: 2024-06-09. Review status: criteria provided, single submitter. Criteria: ACMG Guidelines, 2015. Collection method: clinical testing. Allele origin: germline. Inheritance: Autosomal dominant inheritance. Observed: 1 variant allele, 1 heterozygote.
Comment: This study involves interpretation of variants in research participants for the purpose of population health screening. Participant phenotype was not available at the time of variant classification. Additional details can be found in publication PMID: 35346344, PMCID: PMC8962531

Labcorp Genetics (formerly Invitae), Labcorp
Classification: Likely benign for Multiple endocrine neoplasia, type 2. Last evaluated: 2022-09-03. Review status: criteria provided, single submitter. Criteria: Invitae Variant Classification Sherloc (09022015). Collection method: clinical testing. Allele origin: germline.

NM_020975.6(RET):c.351C>G (p.Pro117=)

Gene: RET (ret proto-oncogene; plus strand). Cytogenetic location: 10q11.21.
Variant type: single nucleotide variant.
Coding change: c.351C>G on transcript NM_020975.6 (MANE Select); coding-DNA position 351, C replaced by G.
Protein change: p.Pro117=; no amino-acid change (proline 117 retained).
Molecular consequence: synonymous variant. On other transcripts: intron variant (22).
Genome position (GRCh38, 1-based): chr10:43,102,355, C>G. VCF-style: chr10-43102355-C-G. GRCh37 (hg19) VCF-style: chr10-43597803-C-G.
Other names: c.351C>G, p.Pro117= (NM_000323.2, NM_001406743.1, NM_001406744.1 and 16 more transcripts); c.338-116C>G (NM_001406764.1, NM_001406762.1, NM_001406761.1 and 4 more transcripts); c.337+1633C>G (NM_001406770.1, NM_001406766.1, NM_001406767.1 and 8 more transcripts); c.74-6676C>G (NM_001406784.1); c.74-9744C>G (NM_001406794.1, NM_001406792.1, NM_001406793.1).
Identifiers: ClinVar variation 2082037 (VCV002082037.5), dbSNP rs267602487, ClinGen allele CA469279039.